The following is an entry in ClinVar:

ClinVar aggregate classification (germline): Uncertain significance (1 of 4 stars; one submission).

Conditions:
Hereditary cancer-predisposing syndrome. Also called: Neoplastic Syndromes, Hereditary; Hereditary Cancer Syndrome; Hereditary neoplastic syndrome; Tumor predisposition. Identifiers: Orphanet 140162, MedGen C0027672, MeSH D009386, MONDO:0015356.

Allele frequency attached by ClinVar (database versions not stated): gnomAD exomes below 0.00001.
gnomAD v4.1: 1 of 1,539,434 alleles (0.000065%); highest among the groups gnomAD compares: East Asian, 0.0025%; no homozygotes.

Submission:

Ambry Genetics
Classification: Uncertain significance for Hereditary cancer-predisposing syndrome. Last evaluated: 2023-04-26. Review status: criteria provided, single submitter. Criteria: Ambry Variant Classification Scheme 2023. Collection method: clinical testing. Allele origin: germline.
Comment: The p.G217E variant (also known as c.650G>A), located in coding exon 3 of the PHOX2B gene, results from a G to A substitution at nucleotide position 650. The glycine at codon 217 is replaced by glutamic acid, an amino acid with similar properties. This amino acid position is conserved. In addition, the in silico prediction for this alteration is inconclusive. Since supporting evidence is limited at this time, the clinical significance of this alteration remains unclear.

NM_003924.4(PHOX2B):c.650G>A (p.Gly217Glu)

Gene: PHOX2B (paired like homeobox 2B; minus strand). Cytogenetic location: 4p13.
Variant type: single nucleotide variant.
Coding change: c.650G>A on transcript NM_003924.4 (MANE Select); coding-DNA position 650, G replaced by A.
Protein change: p.Gly217Glu; replaces glycine 217 with glutamic acid.
Molecular consequence: missense variant.
Genome position (GRCh38, 1-based): chr4:41,746,102, C>T on the plus strand (G>A on the coding strand, the complement: PHOX2B is on the minus strand). VCF-style: chr4-41746102-C-T. GRCh37 (hg19) VCF-style: chr4-41748119-C-T.
Other names: short protein forms G217E.
Identifiers: ClinVar variation 2563105 (VCV002563105.2), dbSNP rs2552096846, ClinGen allele CA356737504.